The following is an entry in ClinVar:

ClinVar aggregate classification (germline): Likely benign. Review status: criteria provided, single submitter (1 of 4 stars). 2 submissions from 2 submitters: Likely benign (1). 1 of the submissions does not count toward it. Last evaluated 2019-12-31.

Conditions:
TOP2A-related disorder. Also called: TOP2A-related condition.

Allele frequency attached by ClinVar (database versions not stated): gnomAD exomes 0.00023 and 0.00062; ExAC 0.00071; 1000 Genomes Project 0.00160; 1000 Genomes Project 30x 0.00172; ESP Exome Variant Server 0.00246; gnomAD 0.00273 and 0.00296; TOPMed 0.00306.
gnomAD v4.1: 747 of 1,592,666 alleles (0.047%); highest among the groups gnomAD compares: African/African-American, 0.95%; 3 homozygotes.

Submissions (6):

Labcorp Genetics (formerly Invitae), Labcorp
Classification: Likely benign. Last evaluated: 2019-12-31. Review status: criteria provided, single submitter. Criteria: Invitae Variant Classification Sherloc (09022015). Collection method: clinical testing. Allele origin: germline.

PreventionGenetics, part of Exact Sciences
Classification: Likely benign for TOP2A-related condition. Last evaluated: 2022-06-14. Review status: no assertion criteria provided. Collection method: clinical testing. Allele origin: germline. Not counted in ClinVar's aggregate classification.
Comment: This variant is classified as likely benign based on ACMG/AMP sequence variant interpretation guidelines (Richards et al. 2015 PMID: 25741868, with internal and published modifications).

Dr. Peter K. Rogan Lab, Western University
No classification provided (evidence only). Condition: Cervical cancer. Review status: no classification provided. Collection method: in vitro. Allele origin: not applicable. Functional consequence: retained intron. Not counted in ClinVar's aggregate classification.

Dr. Peter K. Rogan Lab, Western University
No classification provided (evidence only). Condition: Hepatocellular carcinoma. Review status: no classification provided. Collection method: in vitro. Allele origin: not applicable. Functional consequence: skipped exon, retained intron. Not counted in ClinVar's aggregate classification.

Dr. Peter K. Rogan Lab, Western University
No classification provided (evidence only). Condition: Hepatocellular carcinoma. Review status: no classification provided. Collection method: in vitro. Allele origin: not applicable. Functional consequence: retained intron. Not counted in ClinVar's aggregate classification.

Dr. Peter K. Rogan Lab, Western University
No classification provided (evidence only). Condition: Gastric cancer. Review status: no classification provided. Collection method: in vitro. Allele origin: not applicable. Functional consequence: retained intron. Not counted in ClinVar's aggregate classification.

NM_001067.4(TOP2A):c.2678A>G (p.Lys893Arg)

Gene: TOP2A (DNA topoisomerase II alpha; minus strand). Cytogenetic location: 17q21.2.
Variant type: single nucleotide variant.
Coding change: c.2678A>G on transcript NM_001067.4 (MANE Select); coding-DNA position 2678, A replaced by G.
Protein change: p.Lys893Arg; replaces lysine 893 with arginine.
Molecular consequence: missense variant.
Genome position (GRCh38, 1-based): chr17:40,400,650, T>C on the plus strand (A>G on the coding strand, the complement: TOP2A is on the minus strand). VCF-style: chr17-40400650-T-C. GRCh37 (hg19) VCF-style: chr17-38556902-T-C.
Other names: NC_000017.10:g.38556902T>C; short protein forms K893R.
Identifiers: ClinVar variation 717511 (VCV000717511.7), dbSNP rs61732513, ClinGen allele CA8543329.